The following is an entry in ClinVar:

ClinVar aggregate classification (germline): Uncertain significance (1 of 4 stars; one submission).

Submission:

Labcorp Genetics (formerly Invitae), Labcorp
Classification: Uncertain significance. Last evaluated: 2024-04-05. Review status: criteria provided, single submitter. Criteria: Invitae Variant Classification Sherloc (09022015). Collection method: clinical testing. Allele origin: germline.
Comment: This sequence change replaces arginine, which is basic and polar, with tryptophan, which is neutral and slightly polar, at codon 3875 of the ZNF469 protein (p.Arg3875Trp). This variant is not present in population databases (gnomAD no frequency). This variant has not been reported in the literature in individuals affected with ZNF469-related conditions. An algorithm developed to predict the effect of missense changes on protein structure and function (PolyPhen-2) suggests that this variant is likely to be disruptive. In summary, the available evidence is currently insufficient to determine the role of this variant in disease. Therefore, it has been classified as a Variant of Uncertain Significance.

NM_001367624.2(ZNF469):c.11707A>T (p.Arg3903Trp)

Gene: ZNF469 (zinc finger protein 469; plus strand). Cytogenetic location: 16q24.2.
Variant type: single nucleotide variant.
Coding change: c.11707A>T on transcript NM_001367624.2 (MANE Select); coding-DNA position 11707, A replaced by T.
Protein change: p.Arg3903Trp; replaces arginine 3903 with tryptophan.
Molecular consequence: missense variant.
Genome position (GRCh38, 1-based): chr16:88,439,177, A>T. VCF-style: chr16-88439177-A-T. GRCh37 (hg19) VCF-style: chr16-88505585-A-T.
Other names: short protein forms R3903W.
Identifiers: ClinVar variation 3681118 (VCV003681118.2).
Genomic context (GRCh38, chr16:88,439,177, plus strand): 5'-GGCCACACACAGAGGAAGGACAGACTGGGCAAGGCCTTCCCCCAGGGGAGACCCCTGCTC[A>T]GGCCCCCCAAGAGGGGCACAGCTGTCCACGGTGCTGAACCTGCCGAGCCACACACCCACC-3'
Protein context (NP_001354553.1, residues 3893-3913): KAFPQGRPLL[Arg3903Trp]PPKRGTAVHG